The following is an entry in ClinVar:

ClinVar aggregate classification (germline): Pathogenic. Review status: criteria provided, single submitter (1 of 4 stars). 2 submissions from 2 submitters: Pathogenic (1). 1 of the submissions does not count toward it. Last evaluated 2022-12-13.

Conditions:
Brachydactyly type B1 (BDB1). Identifiers: Orphanet 572385, Orphanet 93383, MedGen C1862112, MONDO:0007220, OMIM 113000.

gnomAD v4.1: 1 of 1,613,630 alleles (0.000062%); highest among the groups gnomAD compares: Non-Finnish European, 0.000085%; no homozygotes.

Submissions (2):

GeneDx
Classification: Pathogenic. Last evaluated: 2022-12-13. Review status: criteria provided, single submitter. Criteria: GeneDx Variant Classification Process June 2021. Collection method: clinical testing. Allele origin: germline. Affected: yes.
Comment: Nonsense variant predicted to result in protein truncation, as the last 189 amino acids are lost, and other loss-of-function variants have been reported downstream in HGMD; Not observed at significant frequency in large population cohorts (gnomAD); This variant is associated with the following publications: (PMID: 25525159, 17101003, 10700182, 18365018, 22913777, 21377971, 19146779)

OMIM
Classification: Pathogenic for BRACHYDACTYLY, TYPE B1. Last evaluated: 2006-12-01. Review status: no assertion criteria provided. Collection method: literature only. Allele origin: germline. Not counted in ClinVar's aggregate classification.

Literature cited by the submitters: PubMed 10700182 (cited by OMIM); PubMed 17101003 (cited by OMIM).

NM_004560.4(ROR2):c.2265C>A (p.Tyr755Ter)

Gene: ROR2 (receptor tyrosine kinase like orphan receptor 2; minus strand). Cytogenetic location: 9q22.31.
Variant type: single nucleotide variant.
Coding change: c.2265C>A on transcript NM_004560.4 (MANE Select); coding-DNA position 2265, C replaced by A.
Protein change: p.Tyr755Ter; replaces tyrosine 755 with a stop codon.
Molecular consequence: nonsense.
Genome position (GRCh38, 1-based): chr9:91,724,229, G>T on the plus strand (C>A on the coding strand, the complement: ROR2 is on the minus strand). VCF-style: chr9-91724229-G-T. GRCh37 (hg19) VCF-style: chr9-94486511-G-T.
Other names: short protein forms Y755*.
Identifiers: ClinVar variation 7304 (VCV000007304.2), dbSNP rs121909082, ClinGen allele CA118705.